The following is an entry in ClinVar:

ClinVar aggregate classification (germline): Uncertain significance (1 of 4 stars; one submission).

Conditions:
Hereditary insensitivity to pain with anhidrosis (CIPA). Also called: NTRK1 Congenital Insensitivity to Pain with Anhidrosis; hereditary sensory and autonomic neuropathy type 4; FAMILIAL DYSAUTONOMIA, TYPE II; INSENSITIVITY TO PAIN, CONGENITAL, WITH ANHIDROSIS; NEUROPATHY, CONGENITAL SENSORY, WITH ANHIDROSIS; HSAN Type IV. Identifiers: Orphanet 642, MedGen C0020074, MONDO:0009746, OMIM 256800.

Allele frequency attached by ClinVar (database versions not stated): gnomAD 0.00001; gnomAD exomes 0.00001; TOPMed 0.00001; ExAC 0.00002; ESP Exome Variant Server 0.00008.
gnomAD v4.1: 15 of 1,614,064 alleles (0.00093%); highest among the groups gnomAD compares: Middle Eastern, 0.016%; no homozygotes.

Submission:

Labcorp Genetics (formerly Invitae), Labcorp
Classification: Uncertain significance for Hereditary insensitivity to pain with anhidrosis. Last evaluated: 2022-10-07. Review status: criteria provided, single submitter. Criteria: Invitae Variant Classification Sherloc (09022015). Collection method: clinical testing. Allele origin: germline.
Comment: This sequence change replaces arginine, which is basic and polar, with glutamine, which is neutral and polar, at codon 502 of the NTRK1 protein (p.Arg502Gln). This variant is present in population databases (rs374799164, gnomAD 0.004%). This variant has not been reported in the literature in individuals affected with NTRK1-related conditions. ClinVar contains an entry for this variant (Variation ID: 1463077). Advanced modeling of protein sequence and biophysical properties (such as structural, functional, and spatial information, amino acid conservation, physicochemical variation, residue mobility, and thermodynamic stability) performed at Invitae indicates that this missense variant is not expected to disrupt NTRK1 protein function. In summary, the available evidence is currently insufficient to determine the role of this variant in disease. Therefore, it has been classified as a Variant of Uncertain Significance.

NM_002529.4(NTRK1):c.1523G>A (p.Arg508Gln)

Gene: NTRK1 (neurotrophic receptor tyrosine kinase 1; plus strand). Cytogenetic location: 1q23.1.
Variant type: single nucleotide variant.
Coding change: c.1523G>A on transcript NM_002529.4 (MANE Select); coding-DNA position 1523, G replaced by A.
Protein change: p.Arg508Gln; replaces arginine 508 with glutamine.
Molecular consequence: missense variant.
Genome position (GRCh38, 1-based): chr1:156,876,101, G>A. VCF-style: chr1-156876101-G-A. GRCh37 (hg19) VCF-style: chr1-156845893-G-A.
Other names: c.1415G>A, p.Arg472Gln (NM_001007792.1); c.1505G>A, p.Arg502Gln (NM_001012331.2); short protein forms R502Q, R472Q, R508Q.
Identifiers: ClinVar variation 1463077 (VCV001463077.3), dbSNP rs374799164, ClinGen allele CA1169374.